The following is an entry in ClinVar:

NM_015459.5(ATL3):c.959G>C (p.Gly320Ala)

Genes: ATL3 (atlastin GTPase 3; minus strand), LNCROPM (lncRNA regulator of PLAAT3 mediated phospholipid metabolism; plus strand). Cytogenetic location: 11q13.1.
Variant type: single nucleotide variant.
Coding change: c.959G>C on transcript NM_015459.5 (MANE Select); coding-DNA position 959, G replaced by C.
Protein change: p.Gly320Ala; replaces glycine 320 with alanine.
Molecular consequence: missense variant.
Genome position (GRCh38, 1-based): chr11:63,636,226, C>G on the plus strand (G>C on the coding strand, the complement: ATL3 is on the minus strand). VCF-style: chr11-63636226-C-G. GRCh37 (hg19) VCF-style: chr11-63403698-C-G.
Other names: c.905G>C, p.Gly302Ala (NM_001290048.2); short protein forms G320A, G302A.
Identifiers: ClinVar variation 652235 (VCV000652235.8), dbSNP rs371153317, ClinGen allele CA6063646.

ClinVar aggregate classification (germline): Uncertain significance (1 of 4 stars; one submission).

Conditions:
Neuropathy, hereditary sensory, type 1F. Also called: Hereditary sensory neuropathy type IF; HSN IF. Identifiers: Orphanet 36386, MedGen C3810194, MONDO:0014286, OMIM 615632.

Allele frequency attached by ClinVar (database versions not stated): gnomAD 0.00001; gnomAD exomes 0.00001 and 0.00004; ExAC 0.00002; TOPMed 0.00002; ESP Exome Variant Server 0.00008.
gnomAD v4.1: 58 of 1,613,952 alleles (0.0036%); highest among the groups gnomAD compares: Non-Finnish European, 0.0046%; no homozygotes.

Submission:

Labcorp Genetics (formerly Invitae), Labcorp
Classification: Uncertain significance for Neuropathy, hereditary sensory, type 1F. Last evaluated: 2023-03-20. Review status: criteria provided, single submitter. Criteria: Invitae Variant Classification Sherloc (09022015). Collection method: clinical testing. Allele origin: germline.
Comment: In summary, the available evidence is currently insufficient to determine the role of this variant in disease. Therefore, it has been classified as a Variant of Uncertain Significance. Advanced modeling of protein sequence and biophysical properties (such as structural, functional, and spatial information, amino acid conservation, physicochemical variation, residue mobility, and thermodynamic stability) performed at Invitae indicates that this missense variant is not expected to disrupt ATL3 protein function. ClinVar contains an entry for this variant (Variation ID: 652235). This variant has not been reported in the literature in individuals affected with ATL3-related conditions. This variant is present in population databases (rs371153317, gnomAD 0.003%). This sequence change replaces glycine, which is neutral and non-polar, with alanine, which is neutral and non-polar, at codon 320 of the ATL3 protein (p.Gly320Ala).